The following is an entry in ClinVar:

NM_015047.3(EMC1):c.1115C>G (p.Thr372Ser)

Genes: EMC1 (ER membrane protein complex subunit 1; minus strand), EMC1-AS1 (EMC1 antisense RNA 1; plus strand). Cytogenetic location: 1p36.13.
Variant type: single nucleotide variant.
Coding change: c.1115C>G on transcript NM_015047.3 (MANE Select); coding-DNA position 1115, C replaced by G.
Protein change: p.Thr372Ser; replaces threonine 372 with serine.
Molecular consequence: missense variant.
Genome position (GRCh38, 1-based): chr1:19,238,114, G>C on the plus strand (C>G on the coding strand, the complement: EMC1 is on the minus strand). VCF-style: chr1-19238114-G-C. GRCh37 (hg19) VCF-style: chr1-19564608-G-C.
Other names: c.1112C>G, p.Thr371Ser (NM_001271427.2, NM_001375821.1); c.1115C>G, p.Thr372Ser (NM_001271428.2, NM_001375820.1); c.1049C>G, p.Thr350Ser (NM_001271429.2); short protein forms T372S, T350S, T371S.
Identifiers: ClinVar variation 2795647 (VCV002795647.3), dbSNP rs558721095, ClinGen allele CA652661.
Genomic context (GRCh38, chr1:19,238,114, plus strand): 5'-GTTATCGTGGTGTCCAGCAGCCGCCGACCTGTCTCCACGAGGTATAGGTTAATGGTGTAG[G>C]TCTGATTGAAGCAAGCCAGAGAGTCCTAGGAGTACAGACAGCACGTGTCAACTACAGGTA-3'
Protein context (NP_055862.1, residues 362-382): SKDSLACFNQ[Thr372Ser]YTINLYLVET

ClinVar aggregate classification (germline): Uncertain significance (1 of 4 stars; one submission).

Allele frequency attached by ClinVar (database versions not stated): ExAC 0.00001; gnomAD 0.00001; 1000 Genomes Project 30x 0.00016; 1000 Genomes Project 0.00020.
gnomAD v4.1: 3 of 1,613,316 alleles (0.00019%); highest among the groups gnomAD compares: African/African-American, 0.0013%; no homozygotes.

Submission:

Labcorp Genetics (formerly Invitae), Labcorp
Classification: Uncertain significance. Last evaluated: 2024-02-05. Review status: criteria provided, single submitter. Criteria: Invitae Variant Classification Sherloc (09022015). Collection method: clinical testing. Allele origin: germline.
Comment: This sequence change replaces threonine, which is neutral and polar, with serine, which is neutral and polar, at codon 372 of the EMC1 protein (p.Thr372Ser). This variant is present in population databases (rs558721095, gnomAD 0.007%). This variant has not been reported in the literature in individuals affected with EMC1-related conditions. Advanced modeling of protein sequence and biophysical properties (such as structural, functional, and spatial information, amino acid conservation, physicochemical variation, residue mobility, and thermodynamic stability) performed at Invitae indicates that this missense variant is not expected to disrupt EMC1 protein function with a negative predictive value of 80%. In summary, the available evidence is currently insufficient to determine the role of this variant in disease. Therefore, it has been classified as a Variant of Uncertain Significance.